The following is an entry in ClinVar:

ClinVar aggregate classification (germline): Uncertain significance. Review status: criteria provided, single submitter (1 of 4 stars). 2 submissions from 1 submitter: Uncertain significance (2). Last evaluated 2022-12-28.

Conditions:
Inborn genetic diseases. Identifiers: MedGen C0950123, MeSH D030342.
Hereditary cancer-predisposing syndrome. Also called: Tumor predisposition; Hereditary Cancer Syndrome; Neoplastic Syndromes, Hereditary; Hereditary neoplastic syndrome. Identifiers: Orphanet 140162, MedGen C0027672, MeSH D009386, MONDO:0015356.

Allele frequency attached by ClinVar (database versions not stated): TOPMed below 0.00001; gnomAD 0.00001; gnomAD exomes 0.00001.
gnomAD v4.1: 17 of 1,613,980 alleles (0.0011%); highest among the groups gnomAD compares: Non-Finnish European, 0.0014%; no homozygotes.

Submissions (2):

Ambry Genetics
Classification: Uncertain significance for Inborn genetic diseases. Last evaluated: 2022-12-28. Review status: criteria provided, single submitter. Criteria: Ambry General Variant Classification Scheme_2022. Collection method: clinical testing. Allele origin: germline. Observed: 1 variant allele.

Ambry Genetics
Classification: Uncertain significance for Hereditary cancer-predisposing syndrome. Last evaluated: 2021-09-02. Review status: criteria provided, single submitter. Criteria: Ambry General Variant Classification Scheme_2022. Collection method: clinical testing. Allele origin: germline. Observed: 1 variant allele.
Comment: The p.N848Y variant (also known as c.2542A>T), located in coding exon 13 of the PALLD gene, results from an A to T substitution at nucleotide position 2542. The asparagine at codon 848 is replaced by tyrosine, an amino acid with dissimilar properties. This amino acid position is conserved. In addition, the in silico prediction for this alteration is inconclusive. Since supporting evidence is limited at this time, the clinical significance of this alteration remains unclear.

NM_001166108.2(PALLD):c.2593A>T (p.Asn865Tyr)

Genes: PALLD (palladin, cytoskeletal associated protein; plus strand), CBR4 (carbonyl reductase 4; minus strand). Cytogenetic location: 4q32.3.
Variant type: single nucleotide variant.
Coding change: c.2593A>T on transcript NM_001166108.2 (MANE Select); coding-DNA position 2593, A replaced by T.
Protein change: p.Asn865Tyr; replaces asparagine 865 with tyrosine.
Molecular consequence: missense variant.
Genome position (GRCh38, 1-based): chr4:168,903,877, A>T. VCF-style: chr4-168903877-A-T. GRCh37 (hg19) VCF-style: chr4-169825028-A-T.
Other names: c.1396A>T, p.Asn466Tyr (NM_001166109.2); c.1081A>T, p.Asn361Tyr (NM_001166110.2); c.421A>T, p.Asn141Tyr (NM_001367567.1, NM_001367569.1); c.472A>T, p.Asn158Tyr (NM_001367568.1, NM_001367570.1); c.2542A>T, p.Asn848Tyr (NM_016081.4); c.1081A>T (NM_001166110.1); short protein forms N361Y, N848Y, N141Y, N865Y, N158Y, N466Y.
Identifiers: ClinVar variation 1792844 (VCV001792844.3), dbSNP rs1303362124, ClinGen allele CA358799494.